The following is an entry in ClinVar:

NM_000274.4(OAT):c.772-1G>C

Gene: OAT (ornithine aminotransferase; minus strand). Cytogenetic location: 10q26.13.
Variant type: single nucleotide variant.
Coding change: c.772-1G>C on transcript NM_000274.4 (MANE Select); the canonical splice acceptor site of the intron before coding-DNA position 772, G replaced by C.
Molecular consequence: splice acceptor variant.
Genome position (GRCh38, 1-based): chr10:124,403,056, C>G on the plus strand (G>C on the coding strand, the complement: OAT is on the minus strand). VCF-style: chr10-124403056-C-G. GRCh37 (hg19) VCF-style: chr10-126091625-C-G.
Other names: c.772-1G>C (NM_001322965.2, NM_001322969.2, NM_001322966.2 and 3 more transcripts); c.358-1G>C (NM_001171814.2); c.172-1G>C (NM_001322974.2); c.451-1G>C (NM_001322971.2).
Identifiers: ClinVar variation 4717819 (VCV004717819.1).
Genomic context (GRCh38, chr10:124,403,056, plus strand): 5'-AGCCAGCCATCTACCAGTTCTGGCCAATCCTGTCTGTATTTCATCAGCAATAAAGAGAAC[C>G]TATTGGGGAAAAAAAATACCCCTATTAGTGATCACTTTCGTTTCCACAGGGAAAATAGCC-3'

ClinVar aggregate classification (germline): Likely pathogenic (1 of 4 stars; one submission).

Conditions:
Ornithine aminotransferase deficiency (GACR). Also called: Ornithine ketoacid aminotransferase deficiency; Gyrate atrophy; Gyrate atrophy of choroid and retina; Girate atrophy of the retina; HYPERORNITHINEMIA WITH GYRATE ATROPHY OF CHOROID AND RETINA; OAT DEFICIENCY. Identifiers: Orphanet 414, MedGen C0018425, MONDO:0009796, OMIM 258870.

Submission:

Labcorp Genetics (formerly Invitae), Labcorp
Classification: Likely pathogenic for Ornithine aminotransferase deficiency. Last evaluated: 2025-05-05. Review status: criteria provided, single submitter. Criteria: Invitae Variant Classification Sherloc (09022015). Collection method: clinical testing. Allele origin: germline.
Comment: This sequence change affects an acceptor splice site in intron 6 of the OAT gene. It is expected to disrupt RNA splicing. Variants that disrupt the donor or acceptor splice site typically lead to a loss of protein function (PMID: 16199547), and loss-of-function variants in OAT are known to be pathogenic (PMID: 1737786, 23076989). This variant is not present in population databases (gnomAD no frequency). Disruption of this splice site has been observed in individual(s) with inherited retinal degeneration (PMID: 32531858). Algorithms developed to predict the effect of sequence changes on RNA splicing suggest that this variant may disrupt the consensus splice site. In summary, the currently available evidence indicates that the variant is pathogenic, but additional data are needed to prove that conclusively. Therefore, this variant has been classified as Likely Pathogenic.

Literature cited by the submitters: PubMed 16199547; PubMed 1737786; PubMed 23076989; PubMed 32531858.